The following is an entry in ClinVar:

NM_001365088.1(SLC12A6):c.2803-3C>G

Gene: SLC12A6 (solute carrier family 12 member 6; minus strand). Cytogenetic location: 15q14.
Variant type: single nucleotide variant.
Coding change: c.2803-3C>G on transcript NM_001365088.1 (MANE Select); 3 bases into the intron before coding-DNA position 2803, C replaced by G.
Molecular consequence: intron variant.
Genome position (GRCh38, 1-based): chr15:34,237,553, G>C on the plus strand (C>G on the coding strand, the complement: SLC12A6 is on the minus strand). VCF-style: chr15-34237553-G-C. GRCh37 (hg19) VCF-style: chr15-34529754-G-C.
Other names: c.2626-3C>G (NM_001042495.2, NM_001042494.2); c.2776-3C>G (NM_001042496.2); c.2758-3C>G (NM_001042497.2); c.2803-3C>G (NM_133647.2); c.2650-3C>G (NM_005135.2).
Identifiers: ClinVar variation 1402963 (VCV001402963.6), dbSNP rs369901701, ClinGen allele CA7463990.

ClinVar aggregate classification (germline): Uncertain significance (1 of 4 stars; one submission).

Allele frequency attached by ClinVar (database versions not stated): ExAC 0.00001; TOPMed 0.00004; gnomAD 0.00007; ESP Exome Variant Server 0.00008.
gnomAD v4.1: 16 of 1,610,610 alleles (0.00099%); highest among the groups gnomAD compares: African/African-American, 0.02%; no homozygotes.

Submission:

Labcorp Genetics (formerly Invitae), Labcorp
Classification: Uncertain significance. Last evaluated: 2024-04-15. Review status: criteria provided, single submitter. Criteria: Invitae Variant Classification Sherloc (09022015). Collection method: clinical testing. Allele origin: germline.
Comment: This sequence change falls in intron 20 of the SLC12A6 gene. It does not directly change the encoded amino acid sequence of the SLC12A6 protein. It affects a nucleotide within the consensus splice site. This variant is present in population databases (rs369901701, gnomAD 0.01%). This variant has not been reported in the literature in individuals affected with SLC12A6-related conditions. ClinVar contains an entry for this variant (Variation ID: 1402963). Variants that disrupt the consensus splice site are a relatively common cause of aberrant splicing (PMID: 17576681, 9536098). Algorithms developed to predict the effect of sequence changes on RNA splicing suggest that this variant may disrupt the consensus splice site. In summary, the available evidence is currently insufficient to determine the role of this variant in disease. Therefore, it has been classified as a Variant of Uncertain Significance.

Literature cited by the submitters: PubMed 17576681; PubMed 9536098.